The following is an entry in ClinVar:

NM_002439.5(MSH3):c.613T>A (p.Ser205Thr)

Gene: MSH3 (mutS homolog 3; plus strand). Cytogenetic location: 5q14.1.
Variant type: single nucleotide variant.
Coding change: c.613T>A on transcript NM_002439.5 (MANE Select); coding-DNA position 613, T replaced by A.
Protein change: p.Ser205Thr; replaces serine 205 with threonine.
Molecular consequence: missense variant.
Genome position (GRCh38, 1-based): chr5:80,670,130, T>A. VCF-style: chr5-80670130-T-A. GRCh37 (hg19) VCF-style: chr5-79965949-T-A.
Other names: short protein forms S205T.
Identifiers: ClinVar variation 857751 (VCV000857751.12), dbSNP rs535548394, ClinGen allele CA3327658.
Genomic context (GRCh38, chr5:80,670,130, plus strand): 5'-AAACTTTATACATCTTTTGGTTGCCAGGACACAACACTTTTTGATCTCAGTCAGTTTGGA[T>A]CATCAAATACAAGTCATGAAAATTTACAGAAAACTGCTTCCAAATCAGCTAACAAACGGT-3'
Protein context (NP_002430.3, residues 195-215): TTLFDLSQFG[Ser205Thr]SNTSHENLQK

ClinVar aggregate classification (germline): Uncertain significance. Review status: criteria provided, multiple submitters, no conflicts (2 of 4 stars). 2 submissions from 2 submitters: Uncertain significance (2). Last evaluated 2026-01-27.

Conditions:
Hereditary cancer-predisposing syndrome. Also called: Tumor predisposition; Hereditary neoplastic syndrome; Neoplastic Syndromes, Hereditary; Hereditary Cancer Syndrome. Identifiers: Orphanet 140162, MedGen C0027672, MeSH D009386, MONDO:0015356.

Allele frequency attached by ClinVar (database versions not stated): gnomAD exomes below 0.00001; ExAC 0.00001; gnomAD 0.00001; 1000 Genomes Project 0.00020; 1000 Genomes Project 30x 0.00031.
gnomAD v4.1: 2 of 1,614,102 alleles (0.00012%); highest among the groups gnomAD compares: African/African-American, 0.0027%; no homozygotes.

Submissions (2):

Labcorp Genetics (formerly Invitae), Labcorp
Classification: Uncertain significance. Last evaluated: 2026-01-27. Review status: criteria provided, single submitter. Criteria: Invitae Variant Classification Sherloc (09022015). Collection method: clinical testing. Allele origin: germline.
Comment: This sequence change replaces serine, which is neutral and polar, with threonine, which is neutral and polar, at codon 205 of the MSH3 protein (p.Ser205Thr). This variant is present in population databases (rs535548394, gnomAD 0.008%). This variant has not been reported in the literature in individuals affected with MSH3-related conditions. ClinVar contains an entry for this variant (Variation ID: 857751). An algorithm developed to predict the effect of missense changes on protein structure and function (PolyPhen-2) suggests that this variant is likely to be tolerated. In summary, the available evidence is currently insufficient to determine the role of this variant in disease. Therefore, it has been classified as a Variant of Uncertain Significance.

Ambry Genetics
Classification: Uncertain significance for Hereditary cancer-predisposing syndrome. Last evaluated: 2022-09-03. Review status: criteria provided, single submitter. Criteria: Ambry Variant Classification Scheme 2023. Collection method: clinical testing. Allele origin: germline.
Comment: The p.S205T variant (also known as c.613T>A), located in coding exon 4 of the MSH3 gene, results from a T to A substitution at nucleotide position 613. The serine at codon 205 is replaced by threonine, an amino acid with similar properties. This amino acid position is conserved. In addition, this alteration is predicted to be tolerated by in silico analysis. Since supporting evidence is limited at this time, the clinical significance of this alteration remains unclear.